The following is an entry in ClinVar:

NM_005228.5(EGFR):c.3119C>A (p.Ala1040Glu)

Gene: EGFR (epidermal growth factor receptor; plus strand). Cytogenetic location: 7p11.2.
Variant type: single nucleotide variant.
Coding change: c.3119C>A on transcript NM_005228.5 (MANE Select); coding-DNA position 3119, C replaced by A.
Protein change: p.Ala1040Glu; replaces alanine 1040 with glutamic acid.
Molecular consequence: missense variant.
Genome position (GRCh38, 1-based): chr7:55,201,739, C>A. VCF-style: chr7-55201739-C-A. GRCh37 (hg19) VCF-style: chr7-55269432-C-A.
Other names: c.2984C>A, p.Ala995Glu (NM_001346897.2, NM_001346899.2); c.3119C>A, p.Ala1040Glu (NM_001346898.2); c.2960C>A, p.Ala987Glu (NM_001346900.2); c.2318C>A, p.Ala773Glu (NM_001346941.2); c.3119C>A (NM_005228.3); short protein forms A1040E, A773E, A987E, A995E.
Identifiers: ClinVar variation 1354487 (VCV001354487.9), dbSNP rs1787857611, ClinGen allele CA367582876.

ClinVar aggregate classification (germline): Uncertain significance. Review status: criteria provided, multiple submitters, no conflicts (2 of 4 stars). 2 submissions from 2 submitters: Uncertain significance (2). Last evaluated 2026-07-07.

Conditions:
Hereditary cancer-predisposing syndrome. Also called: Hereditary Cancer Syndrome; Neoplastic Syndromes, Hereditary; Hereditary neoplastic syndrome; Tumor predisposition. Identifiers: Orphanet 140162, MedGen C0027672, MeSH D009386, MONDO:0015356.
EGFR-related lung cancer (EGFR). Identifiers: MedGen CN130014.

Submissions (2):

Ambry Genetics
Classification: Uncertain significance for Hereditary cancer-predisposing syndrome. Last evaluated: 2026-07-07. Review status: criteria provided, single submitter. Criteria: Ambry Variant Classification Scheme 2023. Collection method: clinical testing. Allele origin: germline.
Comment: The p.A1040E variant (also known as c.3119C>A), located in coding exon 26 of the EGFR gene, results from a C to A substitution at nucleotide position 3119. The alanine at codon 1040 is replaced by glutamic acid, an amino acid with dissimilar properties. This amino acid position is conserved. In addition, this alteration is predicted to be tolerated by in silico analysis. Based on the available evidence, the clinical significance of this variant remains unclear.

Labcorp Genetics (formerly Invitae), Labcorp
Classification: Uncertain significance for EGFR-related lung cancer. Last evaluated: 2025-08-07. Review status: criteria provided, single submitter. Criteria: Invitae Variant Classification Sherloc (09022015). Collection method: clinical testing. Allele origin: germline.
Comment: This sequence change replaces alanine, which is neutral and non-polar, with glutamic acid, which is acidic and polar, at codon 1040 of the EGFR protein (p.Ala1040Glu). This variant is not present in population databases (gnomAD no frequency). This variant has not been reported in the literature in individuals affected with EGFR-related conditions. ClinVar contains an entry for this variant (Variation ID: 1354487). An algorithm developed to predict the effect of missense changes on protein structure and function (PolyPhen-2) suggests that this variant is likely to be tolerated. In summary, the available evidence is currently insufficient to determine the role of this variant in disease. Therefore, it has been classified as a Variant of Uncertain Significance.